The following is an entry in ClinVar:

NM_024408.4(NOTCH2):c.3144C>T (p.Arg1048=)

Gene: NOTCH2 (notch receptor 2; minus strand). Cytogenetic location: 1p12.
Variant type: single nucleotide variant.
Coding change: c.3144C>T on transcript NM_024408.4 (MANE Select); coding-DNA position 3144, C replaced by T.
Protein change: p.Arg1048=; no amino-acid change (arginine 1048 retained).
Molecular consequence: synonymous variant.
Genome position (GRCh38, 1-based): chr1:119,940,594, G>A on the plus strand (C>T on the coding strand, the complement: NOTCH2 is on the minus strand). VCF-style: chr1-119940594-G-A. GRCh37 (hg19) VCF-style: chr1-120483217-G-A.
Other names: c.3144C>T, p.Arg1048= (NM_001200001.2); c.3144C>T (NM_024408.3).
Identifiers: ClinVar variation 1905704 (VCV001905704.30), dbSNP rs782309717, ClinGen allele CA1040136.

ClinVar aggregate classification (germline): Likely benign. Review status: criteria provided, multiple submitters, no conflicts (2 of 4 stars). 3 submissions from 3 submitters: Likely benign (2). 1 of the submissions does not count toward it. Last evaluated 2024-02-28.

Conditions:
Hajdu-Cheney syndrome (HJCYS). Also called: SERPENTINE FIBULA-POLYCYSTIC KIDNEY SYNDROME; Acroosteolysis dominant type; ACROOSTEOLYSIS WITH OSTEOPOROSIS AND CHANGES IN SKULL AND MANDIBLE. Identifiers: Orphanet 955, MedGen C0917715, MONDO:0007057, OMIM 102500.
NOTCH2-related disorder. Also called: NOTCH2-related condition.

Allele frequency attached by ClinVar (database versions not stated): TOPMed below 0.00001; ExAC 0.00001; gnomAD 0.00001; gnomAD exomes 0.00001.
gnomAD v4.1: 9 of 1,613,998 alleles (0.00056%); highest among the groups gnomAD compares: Middle Eastern, 0.017%; 1 homozygote.

Submissions (3):

Labcorp Genetics (formerly Invitae), Labcorp
Classification: Likely benign for Hajdu-Cheney syndrome. Last evaluated: 2024-02-28. Review status: criteria provided, single submitter. Criteria: Invitae Variant Classification Sherloc (09022015). Collection method: clinical testing. Allele origin: germline.

CeGaT Center for Human Genetics Tuebingen
Classification: Likely benign. Last evaluated: 2022-04-01. Review status: criteria provided, single submitter. Criteria: CeGaT Center For Human Genetics Tuebingen Variant Classification Criteria Version 2. Collection method: clinical testing. Allele origin: germline. Affected: yes. Observed: 1 variant allele.
Comment: NOTCH2: BP4, BP7

PreventionGenetics, part of Exact Sciences
Classification: Likely benign for NOTCH2-related condition. Last evaluated: 2022-12-21. Review status: no assertion criteria provided. Collection method: clinical testing. Allele origin: germline. Not counted in ClinVar's aggregate classification.
Comment: This variant is classified as likely benign based on ACMG/AMP sequence variant interpretation guidelines (Richards et al. 2015 PMID: 25741868, with internal and published modifications).